The following is an entry in ClinVar:

ClinVar aggregate classification (germline): Uncertain significance. Review status: criteria provided, multiple submitters, no conflicts (2 of 4 stars). 2 submissions from 2 submitters: Uncertain significance (2). Last evaluated 2025-12-17.

Conditions:
Progressive familial heart block type IB (PFHB1B). Identifiers: Orphanet 871, MedGen C1970298, MONDO:0011474, OMIM 604559.
Cardiovascular phenotype. Identifiers: MedGen CN230736.

Allele frequency attached by ClinVar (database versions not stated): TOPMed below 0.00001.
gnomAD v4.1: 4 of 1,614,072 alleles (0.00025%); highest among the groups gnomAD compares: South Asian, 0.0044%; no homozygotes.

Submissions (2):

Ambry Genetics
Classification: Uncertain significance for Cardiovascular phenotype. Last evaluated: 2025-12-17. Review status: criteria provided, single submitter. Criteria: Ambry Variant Classification Scheme 2023. Collection method: clinical testing. Allele origin: germline.

Labcorp Genetics (formerly Invitae), Labcorp
Classification: Uncertain significance for Progressive familial heart block type IB. Last evaluated: 2025-02-11. Review status: criteria provided, single submitter. Criteria: Invitae Variant Classification Sherloc (09022015). Collection method: clinical testing. Allele origin: germline.
Comment: This sequence change replaces serine, which is neutral and polar, with asparagine, which is neutral and polar, at codon 1098 of the TRPM4 protein (p.Ser1098Asn). This variant is present in population databases (rs140418645, gnomAD 0.003%). This variant has not been reported in the literature in individuals affected with TRPM4-related conditions. ClinVar contains an entry for this variant (Variation ID: 1729869). An algorithm developed to predict the effect of missense changes on protein structure and function (PolyPhen-2) suggests that this variant is likely to be tolerated. In summary, the available evidence is currently insufficient to determine the role of this variant in disease. Therefore, it has been classified as a Variant of Uncertain Significance.

NM_017636.4(TRPM4):c.3293G>A (p.Ser1098Asn)

Gene: TRPM4 (transient receptor potential cation channel subfamily M member 4; plus strand). Cytogenetic location: 19q13.33.
Variant type: single nucleotide variant.
Coding change: c.3293G>A on transcript NM_017636.4 (MANE Select); coding-DNA position 3293, G replaced by A.
Protein change: p.Ser1098Asn; replaces serine 1098 with asparagine.
Molecular consequence: missense variant.
Genome position (GRCh38, 1-based): chr19:49,210,370, G>A. VCF-style: chr19-49210370-G-A. GRCh37 (hg19) VCF-style: chr19-49713627-G-A.
Other names: c.2858G>A, p.Ser953Asn (NM_001195227.2); c.2948G>A, p.Ser983Asn (NM_001321281.2); c.1685G>A, p.Ser562Asn (NM_001321282.2); c.2771G>A, p.Ser924Asn (NM_001321283.2); c.2231G>A, p.Ser744Asn (NM_001321285.2); short protein forms S562N, S953N, S924N, S983N, S1098N, S744N.
Identifiers: ClinVar variation 1729869 (VCV001729869.7), dbSNP rs140418645, ClinGen allele CA9569843.